The following is an entry in ClinVar:

NM_000747.3(CHRNB1):c.1044+20C>T

Gene: CHRNB1 (cholinergic receptor nicotinic beta 1 subunit; plus strand). Cytogenetic location: 17p13.1.
Variant type: single nucleotide variant.
Coding change: c.1044+20C>T on transcript NM_000747.3 (MANE Select); 20 bases into the intron after coding-DNA position 1044, C replaced by T.
Molecular consequence: intron variant.
Genome position (GRCh38, 1-based): chr17:7,454,540, C>T. VCF-style: chr17-7454540-C-T. GRCh37 (hg19) VCF-style: chr17-7357859-C-T.
Identifiers: ClinVar variation 383320 (VCV000383320.9), dbSNP rs151303014, ClinGen allele CA8347944.
Genomic context (GRCh38, chr17:7,454,540, plus strand): 5'-GCTCACCCCACACCCACCAAATGCCCCTTTGGGTCCGTCAGGTAAGAAAGATCTCCTCCT[C>T]CAACCCCAATTTTCCTTTTACAGACCATAGGGAGAACTATAGCTATGTGGCAGAGTGTTG-3'

ClinVar aggregate classification (germline): Benign/Likely benign. Review status: criteria provided, multiple submitters, no conflicts (2 of 4 stars). 2 submissions from 2 submitters: Benign (1); Likely benign (1). Last evaluated 2026-02-02.

Conditions:
Congenital myasthenic syndrome 2A. Also called: Myasthenic syndrome, congenital, 2a, slow-channel. Identifiers: Orphanet 590, MedGen C4225374, MONDO:0014581, OMIM 616313.

Allele frequency attached by ClinVar (database versions not stated): gnomAD exomes 0.00038 and 0.00118; ExAC 0.00144; gnomAD 0.00442 and 0.00474; 1000 Genomes Project 30x 0.00468; 1000 Genomes Project 0.00479; ESP Exome Variant Server 0.00515; TOPMed 0.00532.
gnomAD v4.1: 1,262 of 1,600,700 alleles (0.079%); highest among the groups gnomAD compares: African/African-American, 1.5%; 17 homozygotes.

Submissions (2):

Labcorp Genetics (formerly Invitae), Labcorp
Classification: Benign for Congenital myasthenic syndrome 2A. Last evaluated: 2026-02-02. Review status: criteria provided, single submitter. Criteria: Invitae Variant Classification Sherloc (09022015). Collection method: clinical testing. Allele origin: germline.

GeneDx
Classification: Likely benign. Last evaluated: 2016-02-04. Review status: criteria provided, single submitter. Criteria: GeneDx Variant Classification (06012015). Collection method: clinical testing. Allele origin: germline. Affected: yes.
Comment: This variant is considered likely benign or benign based on one or more of the following criteria: it is a conservative change, it occurs at a poorly conserved position in the protein, it is predicted to be benign by multiple in silico algorithms, and/or has population frequency not consistent with disease.